The following is an entry in ClinVar:

NM_130837.3(OPA1):c.3013_3019dup (p.Phe1007Ter)

Gene: OPA1 (OPA1 mitochondrial dynamin like GTPase; plus strand). Cytogenetic location: 3q29.
Variant type: Duplication.
Coding change: c.3013_3019dup on transcript NM_130837.3 (MANE Select); coding-DNA positions 3013 to 3019, 7 bases duplicated (GATGCTT; older notation c.3013_3019dupGATGCTT).
Protein change: p.Phe1007Ter; replaces phenylalanine 1007 with a stop codon.
Molecular consequence: nonsense.
Genome position (GRCh38, 1-based): chr3:193,692,092-193,692,098, GATGCTT duplicated; duplicating any 7 consecutive bases within chr3:193,692,089-193,692,098 gives the same sequence; the c. name uses the placement nearest the transcript's 3' end. VCF-style (leftmost placement, unchanged base first): chr3-193692088-A-ACTTGATG. GRCh37 (hg19) VCF-style: chr3-193409877-A-ACTTGATG.
Other names: c.2479_2485dup, p.Phe829Ter (NM_001354663.2); c.2476_2482dup, p.Phe828Ter (NM_001354664.2); c.2848_2854dup, p.Phe952Ter (NM_015560.3); c.2740_2746dup, p.Phe916Ter (NM_130831.3); c.2794_2800dup, p.Phe934Ter (NM_130832.3); c.2851_2857dup, p.Phe953Ter (NM_130833.3); c.2902_2908dup, p.Phe970Ter (NM_130834.3); c.2905_2911dup, p.Phe971Ter (NM_130835.3); and 1 more; short protein forms F1007*, F952*, F971*, F934*, F953*, F829*, F916*, F970*.
Identifiers: ClinVar variation 447903 (VCV000447903.10), dbSNP rs1553797598, ClinGen allele CA658657361.

ClinVar aggregate classification (germline): Conflicting classifications of pathogenicity. Review status: criteria provided, conflicting classifications (1 of 4 stars). 3 submissions from 3 submitters: Pathogenic (1); Likely pathogenic (1); Uncertain significance (1). Last evaluated 2023-06-06.

Conditions:
OPA1-related disorder. Also called: OPA1-related condition; OPA1-related disorders.

Submissions (3):

Athena Diagnostics
Classification: Pathogenic. Last evaluated: 2023-06-06. Review status: criteria provided, single submitter. Criteria: Athena Diagnostics Criteria. Collection method: clinical testing. Allele origin: unknown.
Comment: This variant is not expected to cause loss of protein expression through nonsense-mediated decay, however, similar variants in this region have been associated with disease, and therefore, this variant is also expected to contribute to disease. This variant has been identified in at least one individual with clinical features of optic atrophy. This variant has not been reported in large, multi-ethnic general populations.

Labcorp Genetics (formerly Invitae), Labcorp
Classification: Uncertain significance. Last evaluated: 2023-03-03. Review status: criteria provided, single submitter. Criteria: Invitae Variant Classification Sherloc (09022015). Collection method: clinical testing. Allele origin: germline.
Comment: In summary, the available evidence is currently insufficient to determine the role of this variant in disease. Therefore, it has been classified as a Variant of Uncertain Significance. This variant disrupts a region of the OPA1 protein in which other variant(s) (p.His957Tyr) have been observed in individuals with OPA1-related conditions (PMID: 27974645). This suggests that this is a clinically significant region of the protein, and that variants that disrupt it are likely to be disease-causing. ClinVar contains an entry for this variant (Variation ID: 447903). This variant has not been reported in the literature in individuals affected with OPA1-related conditions. This variant is not present in population databases (gnomAD no frequency). This sequence change creates a premature translational stop signal (p.Phe952*) in the OPA1 gene. While this is not anticipated to result in nonsense mediated decay, it is expected to disrupt the last 9 amino acid(s) of the OPA1 protein.

Blueprint Genetics
Classification: Likely pathogenic for OPA1-related disorders. Last evaluated: 2022-01-29. Review status: criteria provided, single submitter. Criteria: ACMG Guidelines, 2015. Collection method: clinical testing. Allele origin: germline. Affected: yes. Observed: 1 variant allele.

Literature cited by the submitters: PubMed 27974645 (cited by Labcorp Genetics (formerly Invitae), Labcorp).